The following is an entry in ClinVar:

ClinVar aggregate classification (germline): Uncertain significance. Review status: criteria provided, multiple submitters, no conflicts (2 of 4 stars). 2 submissions from 2 submitters: Uncertain significance (2). Last evaluated 2025-03-01.

Allele frequency attached by ClinVar (database versions not stated): TOPMed 0.00009; ESP Exome Variant Server 0.00009; ExAC 0.00026; gnomAD 0.00005.
gnomAD v4.1: 113 of 1,550,556 alleles (0.0073%); highest among the groups gnomAD compares: Admixed American, 0.077%; no homozygotes.

Submissions (2):

Ambry Genetics
Classification: Uncertain significance. Last evaluated: 2025-03-01. Review status: criteria provided, single submitter. Criteria: Ambry Variant Classification Scheme 2023. Collection method: clinical testing. Allele origin: germline.

Labcorp Genetics (formerly Invitae), Labcorp
Classification: Uncertain significance. Last evaluated: 2024-11-06. Review status: criteria provided, single submitter. Criteria: Invitae Variant Classification Sherloc (09022015). Collection method: clinical testing. Allele origin: germline.
Comment: This sequence change replaces alanine, which is neutral and non-polar, with threonine, which is neutral and polar, at codon 664 of the TNK2 protein (p.Ala664Thr). The frequency data for this variant in the population databases is considered unreliable, as metrics indicate poor data quality at this position in the gnomAD database. This variant has not been reported in the literature in individuals affected with TNK2-related conditions. ClinVar contains an entry for this variant (Variation ID: 2048856). An algorithm developed to predict the effect of missense changes on protein structure and function outputs the following: PolyPhen-2: "Benign". The threonine amino acid residue is found in multiple mammalian species, which suggests that this missense change does not adversely affect protein function. In summary, the available evidence is currently insufficient to determine the role of this variant in disease. Therefore, it has been classified as a Variant of Uncertain Significance.

NM_001382273.1(TNK2):c.1801G>A (p.Ala601Thr)

Gene: TNK2 (tyrosine kinase non receptor 2; minus strand). Cytogenetic location: 3q29.
Variant type: single nucleotide variant.
Coding change: c.1801G>A on transcript NM_001382273.1 (MANE Select); coding-DNA position 1801, G replaced by A.
Protein change: p.Ala601Thr; replaces alanine 601 with threonine.
Molecular consequence: missense variant. On other transcripts: non-coding transcript variant (15).
Genome position (GRCh38, 1-based): chr3:195,868,497, C>T on the plus strand (G>A on the coding strand, the complement: TNK2 is on the minus strand). VCF-style: chr3-195868497-C-T. GRCh37 (hg19) VCF-style: chr3-195595368-C-T.
Other names: c.1990G>A (NM_001010938.1); c.1873G>A, p.Ala625Thr (NM_001010938.2, NM_001382272.1); c.1852G>A, p.Ala618Thr (NM_001308046.2, NM_001382271.1); c.1801G>A, p.Ala601Thr (NM_001382274.1, NM_001387716.1, NM_001387717.1 and 1 more transcripts); c.1897G>A, p.Ala633Thr (NM_001382275.1, NM_001387707.1); c.1756G>A, p.Ala586Thr (NM_001386164.1, NM_001387709.1, NM_001387710.1 and 8 more transcripts); c.1828G>A, p.Ala610Thr (NM_001387708.1, NM_001387715.1); short protein forms A586T, A601T, A618T, A633T, A610T, A625T.
Identifiers: ClinVar variation 2048856 (VCV002048856.5), dbSNP rs368666965, ClinGen allele CA2776192.
Genomic context (GRCh38, chr3:195,868,497, plus strand): 5'-GAGGCGGGGTCTCGTCCAGCAGGGAGCAGGCGTCCATGGCCAGCTGCGCCAGGGAGGGCG[C>T]GCAGGGCCGTAGGGCCGGGACCACGGGCTCCTCACCGAAGTCGATGAGCGTGACCTCAGC-3'
Protein context (NP_001369202.1, residues 591-611): EPVVPALRPC[Ala601Thr]PSLAQLAMDA